The following is an entry in ClinVar:

NM_001943.5(DSG2):c.3304A>G (p.Thr1102Ala)

Genes: DSG2 (desmoglein 2; plus strand), DSG2-AS1 (DSG2 antisense RNA 1; minus strand). Cytogenetic location: 18q12.1.
Variant type: single nucleotide variant.
Coding change: c.3304A>G on transcript NM_001943.5 (MANE Select); coding-DNA position 3304, A replaced by G.
Protein change: p.Thr1102Ala; replaces threonine 1102 with alanine.
Molecular consequence: missense variant.
Genome position (GRCh38, 1-based): chr18:31,546,690, A>G. VCF-style: chr18-31546690-A-G. GRCh37 (hg19) VCF-style: chr18-29126653-A-G.
Other names: short protein forms T1102A.
Identifiers: ClinVar variation 918921 (VCV000918921.17), dbSNP rs778884735, ClinGen allele CA048319.

ClinVar aggregate classification (germline): Uncertain significance. Review status: criteria provided, multiple submitters, no conflicts (2 of 4 stars). 7 submissions from 7 submitters: Uncertain significance (5). 2 of the submissions do not count toward it. Last evaluated 2025-01-30.

Conditions:
Cardiovascular phenotype. Identifiers: MedGen CN230736.
Arrhythmogenic right ventricular cardiomyopathy (ARVD). Also called: Arrhythmogenic cardiomyopathy; Cardiomyopathy, ARVC; Arrhythmogenic right ventricular dysplasia; Arrhythmogenic Right Ventricular Cardiomyopathy (ARVC). Identifiers: Orphanet 247, MedGen C0349788, MeSH D019571, MONDO:0016587. Disease mechanism: loss of function. Inheritance: Various modes of inheritance.
Cardiomyopathy (CMYO). Also called: Cardiomyopathies. Identifiers: Orphanet 167848, MedGen C0878544, MONDO:0004994, HP:0001638. Inheritance: Various modes of inheritance.
Arrhythmogenic right ventricular dysplasia 10. Also called: Arrhythmogenic Right Ventricular Dysplasia/Cardiomyopathy10; ARRHYTHMOGENIC RIGHT VENTRICULAR DYSPLASIA, FAMILIAL, 10; Arrhythmogenic right ventricular dysplasia/cardiomyopathy, type 10. Identifiers: MedGen C1857777, MONDO:0012434, OMIM 610193.

Allele frequency attached by ClinVar (database versions not stated): gnomAD exomes below 0.00001; ExAC 0.00001.
gnomAD v4.1: 10 of 1,614,110 alleles (0.00062%); highest among the groups gnomAD compares: South Asian, 0.0022%; no homozygotes.

Submissions (7):

Labcorp Genetics (formerly Invitae), Labcorp
Classification: Uncertain significance for Arrhythmogenic right ventricular dysplasia 10. Last evaluated: 2025-01-30. Review status: criteria provided, single submitter. Criteria: Invitae Variant Classification Sherloc (09022015). Collection method: clinical testing. Allele origin: germline.
Comment: This sequence change replaces threonine, which is neutral and polar, with alanine, which is neutral and non-polar, at codon 1102 of the DSG2 protein (p.Thr1102Ala). This variant is present in population databases (rs778884735, gnomAD 0.0009%). This variant has not been reported in the literature in individuals affected with DSG2-related conditions. ClinVar contains an entry for this variant (Variation ID: 918921). Invitae Evidence Modeling of protein sequence and biophysical properties (such as structural, functional, and spatial information, amino acid conservation, physicochemical variation, residue mobility, and thermodynamic stability) indicates that this missense variant is not expected to disrupt DSG2 protein function with a negative predictive value of 95%. In summary, the available evidence is currently insufficient to determine the role of this variant in disease. Therefore, it has been classified as a Variant of Uncertain Significance.

Color Diagnostics, LLC DBA Color Health
Classification: Uncertain significance for Cardiomyopathy. Last evaluated: 2023-12-05. Review status: criteria provided, single submitter. Criteria: ACMG Guidelines, 2015. Collection method: clinical testing. Allele origin: germline.
Comment: Variant of Uncertain Significance due to insufficient evidence: This missense variant replaces threonine with alanine at codon 1102 of the DSG2 protein. Computational prediction tools and conservation analyses suggest that this variant may not impact the protein function. Computational splicing tools suggest that this variant may not impact RNA splicing. To our knowledge, functional assays have not been performed for this variant nor has this variant been reported in individuals affected with cardiovascular disorders in the literature. This variant has been identified in 1/249146 chromosomes in the general population by the Genome Aggregation Database (gnomAD). Available evidence is insufficient to determine the role of this variant in disease conclusively.

All of Us Research Program, National Institutes of Health
Classification: Uncertain significance for Arrhythmogenic right ventricular cardiomyopathy. Last evaluated: 2023-11-30. Review status: criteria provided, single submitter. Criteria: ACMG Guidelines, 2015. Collection method: clinical testing. Allele origin: germline. Inheritance: Autosomal dominant inheritance. Observed: 1 variant allele, 1 heterozygote.
Comment: Variant of Uncertain Significance due to insufficient evidence: This missense variant replaces threonine with alanine at codon 1102 of the DSG2 protein. Computational prediction tools and conservation analyses suggest that this variant may not impact the protein function. Computational splicing tools suggest that this variant may not impact RNA splicing. To our knowledge, functional assays have not been performed for this variant nor has this variant been reported in individuals affected with cardiovascular disorders in the literature. This variant has been identified in 1/249146 chromosomes in the general population by the Genome Aggregation Database (gnomAD). Available evidence is insufficient to determine the role of this variant in disease conclusively.

This study involves interpretation of variants in research participants for the purpose of population health screening. Participant phenotype was not available at the time of variant classification. Additional details can be found in publication PMID: 35346344, PMCID: PMC8962531

Ambry Genetics
Classification: Uncertain significance for Cardiovascular phenotype. Last evaluated: 2023-03-18. Review status: criteria provided, single submitter. Criteria: Ambry Variant Classification Scheme 2023. Collection method: clinical testing. Allele origin: germline.
Comment: The p.T1102A variant (also known as c.3304A>G), located in coding exon 15 of the DSG2 gene, results from an A to G substitution at nucleotide position 3304. The threonine at codon 1102 is replaced by alanine, an amino acid with similar properties. This amino acid position is conserved. In addition, this alteration is predicted to be tolerated by in silico analysis. Since supporting evidence is limited at this time, the clinical significance of this alteration remains unclear.

Women's Health and Genetics/Laboratory Corporation of America, LabCorp
Classification: Uncertain significance. Last evaluated: 2019-02-25. Review status: criteria provided, single submitter. Criteria: LabCorp Variant Classification Summary - May 2015. Collection method: clinical testing. Allele origin: germline.
Comment: Variant summary: The variant, DSG2 c.3304A>G (p.Thr1102Ala) results in a non-conservative amino acid change in the encoded protein sequence. Four of five in-silico tools predict a benign effect of the variant on protein function. The variant allele was found at a frequency of 4.1e-06 in 245768 control chromosomes (gnomAD). The available data on variant occurrences in the general population are insufficient to allow any conclusion about variant significance. To our knowledge, no occurrence of c.3304A>G in individuals affected with Cardiomyopathy and no experimental evidence demonstrating its impact on protein function have been reported. No clinical diagnostic laboratories have submitted clinical-significance assessments for this variant to ClinVar after 2014. Based on the evidence outlined above, the variant was classified as uncertain significance.

Clinical Genetics DNA and cytogenetics Diagnostics Lab, Erasmus MC, Erasmus Medical Center
Classification: Likely benign. Review status: no assertion criteria provided. Collection method: clinical testing. Allele origin: germline. Affected: yes. Study: VKGL Data-share Consensus. Not counted in ClinVar's aggregate classification.

Joint Genome Diagnostic Labs from Nijmegen and Maastricht, Radboudumc and MUMC+
Classification: Likely benign. Review status: no assertion criteria provided. Collection method: clinical testing. Allele origin: germline. Affected: yes. Study: VKGL Data-share Consensus. Not counted in ClinVar's aggregate classification.